The following is an entry in ClinVar:

ClinVar aggregate classification (germline): Uncertain significance (1 of 4 stars; one submission).

Conditions:
Biotin-responsive basal ganglia disease (BTBGD). Also called: Thiamine Transporter-2 Deficiency; Thiamine metabolism dysfunction syndrome type 2; THIAMINE METABOLISM DYSFUNCTION SYNDROME 2 (BIOTIN- AND THIAMINE-RESPONSIVE TYPE); Thiamine metabolism dysfunction syndrome 2 (biotin- or thiamine-responsive encephalopathy type 2); thiamine-responsive encephalopathy. Identifiers: Orphanet 199348, Orphanet 65284, MedGen C1843807, MONDO:0011841, OMIM 607483.

Allele frequency attached by ClinVar (database versions not stated): gnomAD exomes below 0.00001.
gnomAD v4.1: 2 of 1,614,170 alleles (0.00012%); highest among the groups gnomAD compares: Admixed American, 0.0017%; no homozygotes.

Submission:

Labcorp Genetics (formerly Invitae), Labcorp
Classification: Uncertain significance for Biotin-responsive basal ganglia disease. Last evaluated: 2021-08-31. Review status: criteria provided, single submitter. Criteria: Invitae Variant Classification Sherloc (09022015). Collection method: clinical testing. Allele origin: germline.
Comment: This sequence change replaces glutamic acid with aspartic acid at codon 134 of the SLC19A3 protein (p.Glu134Asp). The glutamic acid residue is moderately conserved and there is a small physicochemical difference between glutamic acid and aspartic acid. This variant is not present in population databases (ExAC no frequency). This variant has not been reported in the literature in individuals affected with SLC19A3-related conditions. Algorithms developed to predict the effect of missense changes on protein structure and function (SIFT, PolyPhen-2, Align-GVGD) all suggest that this variant is likely to be tolerated. In summary, the available evidence is currently insufficient to determine the role of this variant in disease. Therefore, it has been classified as a Variant of Uncertain Significance.

NM_025243.4(SLC19A3):c.402G>C (p.Glu134Asp)

Gene: SLC19A3 (solute carrier family 19 member 3; minus strand). Cytogenetic location: 2q36.3.
Variant type: single nucleotide variant.
Coding change: c.402G>C on transcript NM_025243.4 (MANE Select); coding-DNA position 402, G replaced by C.
Protein change: p.Glu134Asp; replaces glutamic acid 134 with aspartic acid.
Molecular consequence: missense variant.
Genome position (GRCh38, 1-based): chr2:227,699,313, C>G on the plus strand (G>C on the coding strand, the complement: SLC19A3 is on the minus strand). VCF-style: chr2-227699313-C-G. GRCh37 (hg19) VCF-style: chr2-228564029-C-G.
Other names: c.402G>C, p.Glu134Asp (NM_001371411.1, NM_001371412.1); c.390G>C, p.Glu130Asp (NM_001371413.1, NM_001371414.1); short protein forms E134D, E130D.
Identifiers: ClinVar variation 960702 (VCV000960702.7), dbSNP rs1695577939, ClinGen allele CA350877292.